The following is an entry in ClinVar:

ClinVar aggregate classification (germline): Conflicting classifications of pathogenicity. Review status: criteria provided, conflicting classifications (1 of 4 stars). 3 submissions from 3 submitters: Uncertain significance (1); Likely benign (1). 1 of the submissions does not count toward it. Last evaluated 2025-11-24.

Conditions:
Mitochondrial DNA depletion syndrome, myopathic form (MTDPS2). Also called: MITOCHONDRIAL DNA DEPLETION MYOPATHY, TK2-RELATED; TK2-Related Mitochondrial DNA Maintenance Defect, Myopathic Form; MITOCHONDRIAL DNA DEPLETION SYNDROME 2 (MYOPATHIC TYPE). Identifiers: Orphanet 254875, MedGen C3149750, MONDO:0012301, OMIM 609560.
TK2-related disorder. Also called: TK2-related condition.

Allele frequency attached by ClinVar (database versions not stated): ExAC 0.00001; gnomAD 0.00002; TOPMed 0.00002; gnomAD exomes 0.00004.

Submissions (3):

Labcorp Genetics (formerly Invitae), Labcorp
Classification: Likely benign. Last evaluated: 2025-11-24. Review status: criteria provided, single submitter. Criteria: Invitae Variant Classification Sherloc (09022015). Collection method: clinical testing. Allele origin: germline.

Illumina Laboratory Services, Illumina
Classification: Uncertain significance for Mitochondrial DNA depletion syndrome, myopathic form. Last evaluated: 2018-01-13. Review status: criteria provided, single submitter. Criteria: ICSL Variant Classification Criteria 13 December 2019. Collection method: clinical testing. Allele origin: germline.

PreventionGenetics, part of Exact Sciences
Classification: Likely benign for TK2-related condition. Last evaluated: 2019-05-01. Review status: no assertion criteria provided. Collection method: clinical testing. Allele origin: germline. Not counted in ClinVar's aggregate classification.
Comment: This variant is classified as likely benign based on ACMG/AMP sequence variant interpretation guidelines (Richards et al. 2015 PMID: 25741868, with internal and published modifications).

NM_004614.5(TK2):c.300C>T (p.His100=)

Gene: TK2 (thymidine kinase 2; minus strand). Cytogenetic location: 16q21.
Variant type: single nucleotide variant.
Coding change: c.300C>T on transcript NM_004614.5 (MANE Select); coding-DNA position 300, C replaced by T.
Protein change: p.His100=; no amino-acid change (histidine 100 retained).
Molecular consequence: synonymous variant. On other transcripts: non-coding transcript variant (1).
Genome position (GRCh38, 1-based): chr16:66,531,455, G>A on the plus strand (C>T on the coding strand, the complement: TK2 is on the minus strand). VCF-style: chr16-66531455-G-A. GRCh37 (hg19) VCF-style: chr16-66565358-G-A.
Other names: c.207C>T, p.His69= (NM_001172643.1, NM_001271935.1); c.225C>T, p.His75= (NM_001172644.2); c.246C>T, p.His82= (NM_001172645.2); c.153C>T, p.His51= (NM_001271934.2); c.9C>T, p.His3= (NM_001272050.2).
Identifiers: ClinVar variation 887487 (VCV000887487.10), dbSNP rs749383225, ClinGen allele CA8093713.